The following is an entry in ClinVar:

ClinVar aggregate classification (germline): Likely pathogenic. Review status: criteria provided, multiple submitters, no conflicts (2 of 4 stars). 2 submissions from 2 submitters: Likely pathogenic (2). Last evaluated 2024-06-18.

Conditions:
Pontocerebellar hypoplasia type 1A (PCH1A). Also called: PONTOCEREBELLAR HYPOPLASIA WITH ANTERIOR HORN CELL DISEASE; PONTOCEREBELLAR HYPOPLASIA WITH INFANTILE SPINAL MUSCULAR ATROPHY. Identifiers: Orphanet 2254, Orphanet 88616, MedGen C1843504, MONDO:0011866, OMIM 607596.
Neuronopathy, distal hereditary motor, autosomal recessive 10 (HMNR10). Also called: NEUROPATHY, DISTAL HEREDITARY MOTOR, AUTOSOMAL RECESSIVE 10; VRK1-RELATED MOTOR NEURON DISEASE. Identifiers: MedGen C5882703, MONDO:0957876, OMIM 620542.

Submissions (2):

Fulgent Genetics
Classification: Likely pathogenic for Pontocerebellar hypoplasia type 1A; Neuronopathy, distal hereditary motor, autosomal recessive 10. Last evaluated: 2024-06-18. Review status: criteria provided, single submitter. Criteria: ACMG Guidelines, 2015. Collection method: clinical testing. Allele origin: germline.

Labcorp Genetics (formerly Invitae), Labcorp
Classification: Likely pathogenic for Pontocerebellar hypoplasia type 1A. Last evaluated: 2021-02-03. Review status: criteria provided, single submitter. Criteria: Invitae Variant Classification Sherloc (09022015). Collection method: clinical testing. Allele origin: germline.
Comment: In summary, the currently available evidence indicates that the variant is pathogenic, but additional data are needed to prove that conclusively. Therefore, this variant has been classified as Likely Pathogenic. This variant disrupts the p.Arg387 amino acid residue in VRK1. Other variant(s) that disrupt this residue have been determined to be pathogenic (PMID: 31837156, Invitae). This suggests that this residue is clinically significant, and that variants that disrupt this residue are likely to be disease-causing. This variant has not been reported in the literature in individuals with VRK1-related conditions. This variant is not present in population databases (ExAC no frequency). This sequence change results in a frameshift in the VRK1 gene (p.Ser365Thrfs*62). While this is not anticipated to result in nonsense mediated decay, it is expected to disrupt the last 32 amino acid(s) of the VRK1 protein and extend the protein by 29 additional amino acid residues.

Literature cited by the submitters: PubMed 31837156 (cited by Labcorp Genetics (formerly Invitae), Labcorp).

NM_003384.3(VRK1):c.1094del (p.Ser365fs)

Gene: VRK1 (VRK serine/threonine kinase 1; plus strand). Cytogenetic location: 14q32.2.
Variant type: Deletion.
Coding change: c.1094del on transcript NM_003384.3 (MANE Select); coding-DNA position 1094, one base deleted (G; older notation c.1094delG).
Protein change: p.Ser365fs; shifts the reading frame from serine 365.
Molecular consequence: frameshift variant.
Genome position (GRCh38, 1-based): chr14:96,876,055, G deleted. VCF-style (leftmost placement, unchanged base first): chr14-96876054-AG-A. GRCh37 (hg19) VCF-style: chr14-97342391-AG-A.
Other names: short protein forms S365fs.
Identifiers: ClinVar variation 1505827 (VCV001505827.10), dbSNP rs2139845854, ClinGen allele CA2573150446.